The following is an entry in ClinVar:

ClinVar aggregate classification (germline): Likely benign. Review status: criteria provided, single submitter (1 of 4 stars). 2 submissions from 2 submitters: Likely benign (1). 1 of the submissions does not count toward it. Last evaluated 2024-11-25.

Conditions:
SASH1-related disorder. Also called: SASH1-related condition.

Allele frequency attached by ClinVar (database versions not stated): gnomAD exomes 0.00017; gnomAD 0.00070; TOPMed 0.00095; 1000 Genomes Project 30x 0.00187; 1000 Genomes Project 0.00200.
gnomAD v4.1: 112 of 176,590 alleles (0.063%); highest among the groups gnomAD compares: African/African-American, 0.16%; no homozygotes.

Submissions (2):

Blueprint Genetics
Classification: Likely benign. Last evaluated: 2024-11-25. Review status: criteria provided, single submitter. Criteria: ACMG Guidelines, 2015. Collection method: clinical testing. Allele origin: germline.

PreventionGenetics, part of Exact Sciences
Classification: Likely benign for SASH1-related condition. Last evaluated: 2019-09-13. Review status: no assertion criteria provided. Collection method: clinical testing. Allele origin: germline. Not counted in ClinVar's aggregate classification.
Comment: This variant is classified as likely benign based on ACMG/AMP sequence variant interpretation guidelines (Richards et al. 2015 PMID: 25741868, with internal and published modifications).

NM_015278.5(SASH1):c.1209+441G>A

Gene: SASH1 (SAM and SH3 domain containing 1; plus strand). Cytogenetic location: 6q25.1.
Variant type: single nucleotide variant.
Coding change: c.1209+441G>A on transcript NM_015278.5 (MANE Select); 441 bases into the intron after coding-DNA position 1209, G replaced by A.
Molecular consequence: intron variant. On other transcripts: synonymous variant (2).
Genome position (GRCh38, 1-based): chr6:148,520,334, G>A. VCF-style: chr6-148520334-G-A. GRCh37 (hg19) VCF-style: chr6-148841470-G-A.
Other names: c.933G>A, p.Thr311= (NM_001346508.2); c.810G>A, p.Thr270= (NM_001346509.2); c.1074+441G>A (NM_001346505.2); c.837+441G>A (NM_001346506.2); c.492+441G>A (NM_001346507.2).
Identifiers: ClinVar variation 3042287 (VCV003042287.3), dbSNP rs373610885, ClinGen allele CA148990950.
Genomic context (GRCh38, chr6:148,520,334, plus strand): 5'-GGACCTGAGGCGGTGCCTGCTGGAGGAGGATGAGGAGGCAAAGAGGAAGTGGGCCGCCAC[G>A]GTCGACCGCTGTACTAAAAGGGTTCTCTTGAGAATCCACCAGAAGTCTGTGAGTCACAAA-3'